The following is an entry in ClinVar:

ClinVar aggregate classification (germline): Conflicting classifications of pathogenicity. Review status: criteria provided, conflicting classifications (1 of 4 stars). 3 submissions from 3 submitters: Uncertain significance (1); Likely benign (2). Last evaluated 2025-08-15.

Conditions:
CACNB2-related disorder. Also called: CACNB2-related condition.
Cardiovascular phenotype. Identifiers: MedGen CN230736.

Allele frequency attached by ClinVar (database versions not stated): gnomAD exomes below 0.00001 and 0.00001; gnomAD 0.00007; TOPMed 0.00008; ESP Exome Variant Server 0.00017.
gnomAD v4.1: 17 of 1,614,060 alleles (0.0011%); highest among the groups gnomAD compares: African/African-American, 0.021%; no homozygotes.

Submissions (3):

PreventionGenetics, part of Exact Sciences
Classification: Likely benign for CACNB2-related condition. Last evaluated: 2025-08-15. Review status: criteria provided, single submitter. Criteria: ACMG Guidelines, 2015. Collection method: clinical testing. Allele origin: germline.
Comment: This variant is classified as likely benign based on ACMG/AMP sequence variant interpretation guidelines (Richards et al. 2015 PMID: 25741868, with internal and published modifications).

Women's Health and Genetics/Laboratory Corporation of America, LabCorp
Classification: Uncertain significance. Last evaluated: 2025-06-07. Review status: criteria provided, single submitter. Criteria: LabCorp Variant Classification Summary - May 2015. Collection method: clinical testing. Allele origin: germline.

Ambry Genetics
Classification: Likely benign for Cardiovascular phenotype. Last evaluated: 2022-05-02. Review status: criteria provided, single submitter. Criteria: Ambry Variant Classification Scheme 2023. Collection method: clinical testing. Allele origin: germline.

NM_201596.3(CACNB2):c.214-61001T>C

Gene: CACNB2 (calcium voltage-gated channel auxiliary subunit beta 2; plus strand). Cytogenetic location: 10p12.32.
Variant type: single nucleotide variant.
Coding change: c.214-61001T>C on transcript NM_201596.3 (MANE Select); 61001 bases into the intron before coding-DNA position 214, T replaced by C.
Molecular consequence: intron variant. On other transcripts: 5 prime UTR variant (1).
Genome position (GRCh38, 1-based): chr10:18,340,923, T>C. VCF-style: chr10-18340923-T-C. GRCh37 (hg19) VCF-style: chr10-18629852-T-C.
Other names: c.-4T>C (NM_201590.3); c.130-61001T>C (NM_201571.4, NM_001167945.2, NM_201572.4); c.214-61001T>C (NM_201593.3, NM_201597.3); c.49-61001T>C (NM_000724.4, NM_001330060.2, NM_000724.3).
Identifiers: ClinVar variation 519552 (VCV000519552.7), dbSNP rs369696287, ClinGen allele CA203508731.